The following is an entry in ClinVar:

NM_000548.5(TSC2):c.5082T>C (p.Leu1694=)

Gene: TSC2 (TSC complex subunit 2; plus strand). Cytogenetic location: 16p13.3.
Variant type: single nucleotide variant.
Coding change: c.5082T>C on transcript NM_000548.5 (MANE Select); coding-DNA position 5082, T replaced by C.
Protein change: p.Leu1694=; no amino-acid change (leucine 1694 retained).
Molecular consequence: synonymous variant.
Genome position (GRCh38, 1-based): chr16:2,088,061, T>C. VCF-style: chr16-2088061-T-C. GRCh37 (hg19) VCF-style: chr16-2138062-T-C.
Other names: c.4881T>C, p.Leu1627= (NM_001077183.3); c.5013T>C, p.Leu1671= (NM_001114382.3); c.4773T>C, p.Leu1591= (NM_001318827.2); c.4737T>C, p.Leu1579= (NM_001318829.2); c.4350T>C, p.Leu1450= (NM_001318831.2); c.4914T>C, p.Leu1638= (NM_001318832.2); c.4884T>C, p.Leu1628= (NM_001363528.2); c.4950T>C, p.Leu1650= (NM_001370404.1); and 1 more.
Identifiers: ClinVar variation 1157212 (VCV001157212.12), dbSNP rs2151620148, ClinGen allele CA493043635.

ClinVar aggregate classification (germline): Benign/Likely benign. Review status: criteria provided, multiple submitters, no conflicts (2 of 4 stars). 3 submissions from 3 submitters: Benign (1); Likely benign (2). Last evaluated 2025-06-06.

Conditions:
Tuberous sclerosis 2 (TSC2). Identifiers: Orphanet 805, MedGen C1860707, MONDO:0013199, OMIM 613254.
Hereditary cancer-predisposing syndrome. Also called: Neoplastic Syndromes, Hereditary; Hereditary Cancer Syndrome; Hereditary neoplastic syndrome; Tumor predisposition. Identifiers: Orphanet 140162, MedGen C0027672, MeSH D009386, MONDO:0015356.

Submissions (3):

Myriad Genetics, Inc.
Classification: Benign for Tuberous sclerosis 2. Last evaluated: 2025-06-06. Review status: criteria provided, single submitter. Criteria: Myriad Autosomal Dominant, Autosomal Recessive and X-Linked Classification Criteria (2023). Collection method: clinical testing. Allele origin: unknown.
Comment: This variant is considered benign. This variant is a silent/synonymous amino acid change and it is not expected to impact splicing.

Labcorp Genetics (formerly Invitae), Labcorp
Classification: Likely benign for Tuberous sclerosis 2. Last evaluated: 2024-09-04. Review status: criteria provided, single submitter. Criteria: Invitae Variant Classification Sherloc (09022015). Collection method: clinical testing. Allele origin: germline.

Ambry Genetics
Classification: Likely benign for Hereditary cancer-predisposing syndrome. Last evaluated: 2021-11-22. Review status: criteria provided, single submitter. Criteria: Ambry Variant Classification Scheme 2023. Collection method: clinical testing. Allele origin: germline.